The following is an entry in ClinVar:

ClinVar aggregate classification (germline): Conflicting classifications of pathogenicity. Review status: criteria provided, conflicting classifications (1 of 4 stars). 8 submissions from 8 submitters: Uncertain significance (3); Likely benign (5). Last evaluated 2026-05-26.

Conditions:
Dilated cardiomyopathy 1G (CMD1G). Identifiers: Orphanet 154, MedGen C1858763, MONDO:0011400, OMIM 604145.
Autosomal recessive limb-girdle muscular dystrophy type 2J (LGMDR10). Also called: MUSCULAR DYSTROPHY, LIMB-GIRDLE, AUTOSOMAL RECESSIVE 10; Limb-girdle muscular dystrophy, type 2J. Identifiers: Orphanet 140922, MedGen C1837342, MONDO:0012127, OMIM 608807.

Allele frequency attached by ClinVar (database versions not stated): gnomAD 0.00003 and 0.00004; TOPMed 0.00007; ExAC 0.00012.
gnomAD v4.1: 40 of 1,612,542 alleles (0.0025%); highest among the groups gnomAD compares: Admixed American, 0.058%; no homozygotes.

Submissions (8):

Women's Health and Genetics/Laboratory Corporation of America, LabCorp
Classification: Likely benign. Last evaluated: 2026-05-26. Review status: criteria provided, single submitter. Criteria: LabCorp Variant Classification Summary - May 2015. Collection method: clinical testing. Allele origin: germline.
Comment: Variant summary: TTN c.38056A>T (p.Ile12686Phe) results in a non-conservative amino acid change in the encoded protein sequence. Algorithms developed to predict the effect of missense changes on protein structure and function are either unavailable or do not agree on the potential impact of this missense change. The variant allele was found at a frequency of 0.00012 in 247526 control chromosomes, predominantly at a frequency of 0.00084 within the Latino subpopulation in the gnomAD database. The observed variant frequency within Latino control individuals in the gnomAD database exceeds the estimated maximal expected allele frequency for disease-causing variants in TTN. c.38056A>T has been observed in the presumed compound heterozygous state with a variant expected to be likely benign in at least 1 individual(s) affected with Dilated Cardiomyopathy (example, Begay_2015), without strong evidence for causality. These report(s) do not provide unequivocal conclusions about association of the variant with Dilated Cardiomyopathy. To our knowledge, no experimental evidence demonstrating an impact on protein function has been reported. The following publication has been ascertained in the context of this evaluation (PMID: 26567375). ClinVar contains an entry for this variant (Variation ID: 288762). Based on the evidence outlined above, the variant was classified as likely benign.

Molecular Diagnostic Laboratory for Inherited Cardiovascular Disease, Montreal Heart Institute
Classification: Likely benign. Last evaluated: 2026-03-27. Review status: criteria provided, single submitter. Criteria: ACMG Guidelines, 2015. Collection method: clinical testing. Allele origin: germline. Affected: no.
Comment: BS1;BP1

Mayo Clinic Laboratories, Mayo Clinic
Classification: Likely benign. Last evaluated: 2025-01-09. Review status: criteria provided, single submitter. Criteria: ACMG Guidelines, 2015. Collection method: clinical testing. Allele origin: germline. Observed: 1 variant allele.
Comment: BS1, BP4

Blueprint Genetics
Classification: Likely benign. Last evaluated: 2024-07-04. Review status: criteria provided, single submitter. Criteria: ACMG Guidelines, 2015. Collection method: clinical testing. Allele origin: germline.

Revvity Omics, Revvity
Classification: Uncertain significance. Last evaluated: 2023-05-08. Review status: criteria provided, single submitter. Criteria: ACMG Guidelines, 2015. Collection method: clinical testing. Allele origin: germline.

GeneDx
Classification: Likely benign. Last evaluated: 2021-03-15. Review status: criteria provided, single submitter. Criteria: GeneDx Variant Classification Process June 2021. Collection method: clinical testing. Allele origin: germline. Affected: yes.
Comment: This variant is associated with the following publications: (PMID: 26567375)

Labcorp Genetics (formerly Invitae), Labcorp
Classification: Uncertain significance for Dilated cardiomyopathy 1G; Autosomal recessive limb-girdle muscular dystrophy type 2J. Last evaluated: 2017-02-20. Review status: criteria provided, single submitter. Criteria: Invitae Variant Classification Sherloc (09022015). Collection method: clinical testing. Allele origin: germline.

Eurofins Ntd Llc (ga)
Classification: Uncertain significance. Last evaluated: 2016-07-08. Review status: criteria provided, single submitter. Criteria: EGL Classification Definitions 2015. Collection method: clinical testing. Allele origin: germline. Observed: 1 variant allele, 1 heterozygote.

Literature cited by the submitters: PubMed 26567375 (cited by Women's Health and Genetics/Laboratory Corporation of America, LabCorp and Mayo Clinic Laboratories, Mayo Clinic).

NM_001267550.2(TTN):c.45760A>T (p.Ile15254Phe)

Gene: TTN (titin; minus strand). Cytogenetic location: 2q31.2.
Variant type: single nucleotide variant.
Coding change: c.45760A>T on transcript NM_001267550.2 (MANE Select); coding-DNA position 45760, A replaced by T.
Protein change: p.Ile15254Phe; replaces isoleucine 15254 with phenylalanine.
Molecular consequence: missense variant.
Genome position (GRCh38, 1-based): chr2:178,620,850, T>A on the plus strand (A>T on the coding strand, the complement: TTN is on the minus strand). VCF-style: chr2-178620850-T-A. GRCh37 (hg19) VCF-style: chr2-179485577-T-A.
Other names: p.Ile13613Phe; c.40837A>T, p.Ile13613Phe (NM_001256850.1); c.18565A>T, p.Ile6189Phe (NM_003319.4); c.38056A>T, p.Ile12686Phe (NM_133378.4); c.18940A>T, p.Ile6314Phe (NM_133432.3); c.19141A>T, p.Ile6381Phe (NM_133437.4); short protein forms I12686F, I15254F, I13613F, I6381F, I6314F, I6189F.
Identifiers: ClinVar variation 288762 (VCV000288762.18), dbSNP rs72677226, ClinGen allele CA1995375.